The following is an entry in ClinVar:

NM_012463.4(ATP6V0A2):c.1420A>G (p.Lys474Glu)

Gene: ATP6V0A2 (ATPase H+ transporting V0 subunit a2; plus strand). Cytogenetic location: 12q24.31.
Variant type: single nucleotide variant.
Coding change: c.1420A>G on transcript NM_012463.4 (MANE Select); coding-DNA position 1420, A replaced by G.
Protein change: p.Lys474Glu; replaces lysine 474 with glutamic acid.
Molecular consequence: missense variant.
Genome position (GRCh38, 1-based): chr12:123,744,690, A>G. VCF-style: chr12-123744690-A-G. GRCh37 (hg19) VCF-style: chr12-124229237-A-G.
Other names: short protein forms K474E.
Identifiers: ClinVar variation 1314465 (VCV001314465.2), dbSNP rs2135910171, ClinGen allele CA387157693.
Genomic context (GRCh38, chr12:123,744,690, plus strand): 5'-CTCCTGCTGATGGGGCTGTTCTCAGTGTACACTGGCCTCATCTACAACGACTGCTTTTCA[A>G]AGTCAGTCAACCTGTTCGGCTCTGGGTGGAACGTGTCGGCCATGTACAGCTCCAGCCACC-3'
Protein context (NP_036595.2, residues 464-484): TGLIYNDCFS[Lys474Glu]SVNLFGSGWN

ClinVar aggregate classification (germline): Uncertain significance (1 of 4 stars; one submission).

Allele frequency attached by ClinVar (database versions not stated): gnomAD exomes below 0.00001.
gnomAD v4.1: 1 of 1,614,078 alleles (0.000062%); highest among the groups gnomAD compares: Non-Finnish European, 0.000085%; no homozygotes.

Submission:

GeneDx
Classification: Uncertain significance. Last evaluated: 2021-04-07. Review status: criteria provided, single submitter. Criteria: GeneDx Variant Classification Process June 2021. Collection method: clinical testing. Allele origin: germline. Affected: yes.
Comment: Not observed in large population cohorts (Lek et al., 2016); In silico analysis supports that this missense variant has a deleterious effect on protein structure/function; Has not been previously published as pathogenic or benign to our knowledge